The following is an entry in ClinVar:

ClinVar aggregate classification (germline): Benign. Review status: criteria provided, multiple submitters, no conflicts (2 of 4 stars). 4 submissions from 4 submitters: Benign (3). 1 of the submissions does not count toward it. Last evaluated 2026-02-04.

Conditions:
Autosomal recessive polycystic kidney disease (ARPKD). Also called: AR polycystic kidney disease. Identifiers: Orphanet 731, Orphanet 8378, MedGen C0085548, MeSH D017044, MONDO:0009889.

Allele frequency attached by ClinVar (database versions not stated): gnomAD exomes 0.00047 and 0.00164; gnomAD 0.00055 and 0.00086; TOPMed 0.00076; ExAC 0.00145; 1000 Genomes Project 0.00699; 1000 Genomes Project 30x 0.00703.
gnomAD v4.1: 809 of 1,612,744 alleles (0.05%); highest among the groups gnomAD compares: East Asian, 1.7%; 4 homozygotes.

Submissions (4):

Labcorp Genetics (formerly Invitae), Labcorp
Classification: Benign for Autosomal recessive polycystic kidney disease. Last evaluated: 2026-02-04. Review status: criteria provided, single submitter. Criteria: Invitae Variant Classification Sherloc (09022015). Collection method: clinical testing. Allele origin: germline.

Illumina Laboratory Services, Illumina
Classification: Benign for Polycystic kidney disease 4. Last evaluated: 2017-04-27. Review status: criteria provided, single submitter. Criteria: ICSL Variant Classification Criteria 13 December 2019. Collection method: clinical testing. Allele origin: germline.
Comment: This variant was observed as part of a predisposition screen in an ostensibly healthy population. A literature search was performed for the gene, cDNA change, and amino acid change (where applicable). No publications were found based on this search. Allele frequency data from public databases was too high to be consistent with this variant causing disease. Therefore, this variant is classified as benign.

Women's Health and Genetics/Laboratory Corporation of America, LabCorp
Classification: Benign. Last evaluated: 2016-06-12. Review status: criteria provided, single submitter. Criteria: LabCorp Variant Classification Summary - May 2015. Collection method: clinical testing. Allele origin: germline.
Comment: Variant summary: The PKHD1 c.1675C>T (p.Arg559Trp) variant involves the alteration of a non-conserved nucleotide. 3/4 in silico tools predict a benign outcome (SNPs&GO not captured due to low reliability index). This variant was found in 221/123690 control chromosomes (including 5 homozygotes), predominantly observed in the East Asian subpopulation at a frequency of 0.0201716 (174/8626). This frequency is about 3 times greater than the estimated maximal expected allele frequency of a pathogenic PKHD1 variant (0.0070711), suggesting this is likely a benign polymorphism found primarily in the populations of East Asian. In a sufficiently large case-control study, this variant did not confer any increased risk for non-obstructive azoospermia, further supporting the benign outcome. Taking together, the variant is classified as Benign.

Natera, Inc.
Classification: Benign for Autosomal recessive polycystic kidney disease. Last evaluated: 2017-05-11. Review status: no assertion criteria provided. Collection method: clinical testing. Allele origin: germline. Not counted in ClinVar's aggregate classification.

NM_138694.4(PKHD1):c.1675C>T (p.Arg559Trp)

Gene: PKHD1 (PKHD1 ciliary IPT domain containing fibrocystin/polyductin; minus strand). Cytogenetic location: 6p12.2.
Variant type: single nucleotide variant.
Coding change: c.1675C>T on transcript NM_138694.4 (MANE Select); coding-DNA position 1675, C replaced by T.
Protein change: p.Arg559Trp; replaces arginine 559 with tryptophan.
Molecular consequence: missense variant.
Genome position (GRCh38, 1-based): chr6:52,056,716, G>A on the plus strand (C>T on the coding strand, the complement: PKHD1 is on the minus strand). VCF-style: chr6-52056716-G-A. GRCh37 (hg19) VCF-style: chr6-51921514-G-A.
Other names: c.1675C>T, p.Arg559Trp (NM_170724.3); short protein forms R559W.
Identifiers: ClinVar variation 496515 (VCV000496515.20), dbSNP rs141384205, ClinGen allele CA3853488.